The following is an entry in ClinVar:

NM_016573.4(GMIP):c.2322C>T (p.Ser774=)

Gene: GMIP (GEM interacting protein; minus strand). Cytogenetic location: 19p13.11.
Variant type: single nucleotide variant.
Coding change: c.2322C>T on transcript NM_016573.4 (MANE Select); coding-DNA position 2322, C replaced by T.
Protein change: p.Ser774=; no amino-acid change (serine 774 retained).
Molecular consequence: synonymous variant.
Genome position (GRCh38, 1-based): chr19:19,633,953, G>A on the plus strand (C>T on the coding strand, the complement: GMIP is on the minus strand). VCF-style: chr19-19633953-G-A. GRCh37 (hg19) VCF-style: chr19-19744762-G-A.
Other names: c.2235C>T, p.Ser745= (NM_001288998.2); c.2244C>T, p.Ser748= (NM_001288999.2).
Identifiers: ClinVar variation 3770552 (VCV003770552.13).
Genomic context (GRCh38, chr19:19,633,953, plus strand): 5'-GTCTGGGTCAAGGTGCGGGGGTGGCGGTTGGGAGCTGGTTGTGAGGGGCCCAGGGGCTGG[G>A]CTGGAGTCTTGGGGCGGGGGCTCAGTGGCCTGGGGGAGCTCATCCATCCCAAAGATCTGC-3'
Protein context (NP_057657.2, residues 764-784): QATEPPPQDS[Ser774=]PAPGPLTTSS

ClinVar aggregate classification (germline): Likely benign (1 of 4 stars; one submission).

gnomAD v4.1: 4,917 of 1,583,914 alleles (0.31%); highest among the groups gnomAD compares: Non-Finnish European, 0.38%; 11 homozygotes.

Submission:

CeGaT Center for Human Genetics Tuebingen
Classification: Likely benign. Last evaluated: 2025-02-01. Review status: criteria provided, single submitter. Criteria: CeGaT Center For Human Genetics Tuebingen Variant Classification Criteria Version 2. Collection method: clinical testing. Allele origin: germline. Affected: yes. Observed: 1 variant allele.
Comment: GMIP: BP4, BP7